The following is an entry in ClinVar:

ClinVar aggregate classification (germline): Uncertain significance. Review status: criteria provided, multiple submitters, no conflicts (2 of 4 stars). 2 submissions from 2 submitters: Uncertain significance (2). Last evaluated 2021-10-15.

Conditions:
Spondyloenchondrodysplasia with immune dysregulation (SPENCDI). Also called: ROIFMAN IMMUNOSKELETAL SYNDROME; COMBINED IMMUNODEFICIENCY WITH AUTOIMMUNITY AND SPONDYLOMETAPHYSEAL DYSPLASIA; SPONDYLOENCHONDRODYSPLASIA WITH OR WITHOUT IMMUNE DYSREGULATION. Identifiers: Orphanet 1855, MedGen C1842763, MONDO:0011939, OMIM 607944.

Allele frequency attached by ClinVar (database versions not stated): gnomAD exomes below 0.00001 and 0.00002; TOPMed 0.00002.
gnomAD v4.1: 27 of 1,614,144 alleles (0.0017%); highest among the groups gnomAD compares: East Asian, 0.0022%; no homozygotes.

Submissions (2):

Fulgent Genetics
Classification: Uncertain significance for Spondyloenchondrodysplasia with immune dysregulation. Last evaluated: 2021-10-15. Review status: criteria provided, single submitter. Criteria: ACMG Guidelines, 2015. Collection method: clinical testing. Allele origin: unknown.

Labcorp Genetics (formerly Invitae), Labcorp
Classification: Uncertain significance for Spondyloenchondrodysplasia with immune dysregulation. Last evaluated: 2021-08-20. Review status: criteria provided, single submitter. Criteria: Invitae Variant Classification Sherloc (09022015). Collection method: clinical testing. Allele origin: germline.
Comment: In summary, the available evidence is currently insufficient to determine the role of this variant in disease. Therefore, it has been classified as a Variant of Uncertain Significance. This sequence change replaces tyrosine with cysteine at codon 283 of the ACP5 protein (p.Tyr283Cys). The tyrosine residue is moderately conserved and there is a large physicochemical difference between tyrosine and cysteine. This variant is not present in population databases (ExAC no frequency). This variant has not been reported in the literature in individuals affected with ACP5-related conditions. Algorithms developed to predict the effect of missense changes on protein structure and function are either unavailable or do not agree on the potential impact of this missense change (SIFT: "Not Available"; PolyPhen-2: "Possibly Damaging"; Align-GVGD: "Not Available").

NM_001611.5(ACP5):c.848A>G (p.Tyr283Cys)

Gene: ACP5 (acid phosphatase 5, tartrate resistant; minus strand). Cytogenetic location: 19p13.2.
Variant type: single nucleotide variant.
Coding change: c.848A>G on transcript NM_001611.5 (MANE Select); coding-DNA position 848, A replaced by G.
Protein change: p.Tyr283Cys; replaces tyrosine 283 with cysteine.
Molecular consequence: missense variant.
Genome position (GRCh38, 1-based): chr19:11,575,140, T>C on the plus strand (A>G on the coding strand, the complement: ACP5 is on the minus strand). VCF-style: chr19-11575140-T-C. GRCh37 (hg19) VCF-style: chr19-11685955-T-C.
Other names: c.848A>G, p.Tyr283Cys (NM_001111034.3, NM_001111035.3, NM_001111036.3 and 1 more transcripts); short protein forms Y283C.
Identifiers: ClinVar variation 1514243 (VCV001514243.5), dbSNP rs931778512, ClinGen allele CA305358502.